The following is an entry in ClinVar:

ClinVar aggregate classification (germline): Uncertain significance. Review status: criteria provided, multiple submitters, no conflicts (2 of 4 stars). 2 submissions from 2 submitters: Uncertain significance (2). Last evaluated 2025-10-23.

Conditions:
Familial cold autoinflammatory syndrome 2 (FCAS2). Identifiers: Orphanet 247868, MedGen C2673198, MONDO:0012724, OMIM 611762.

gnomAD v4.1: 5 of 1,613,746 alleles (0.00031%); highest among the groups gnomAD compares: Non-Finnish European, 0.00034%; no homozygotes.

Submissions (2):

Labcorp Genetics (formerly Invitae), Labcorp
Classification: Uncertain significance for Familial cold autoinflammatory syndrome 2. Last evaluated: 2025-10-23. Review status: criteria provided, single submitter. Criteria: Invitae Variant Classification Sherloc (09022015). Collection method: clinical testing. Allele origin: germline.
Comment: This sequence change replaces glutamine, which is neutral and polar, with proline, which is neutral and non-polar, at codon 190 of the NLRP12 protein (p.Gln190Pro). This variant is not present in population databases (gnomAD no frequency). This variant has not been reported in the literature in individuals affected with NLRP12-related conditions. An algorithm developed to predict the effect of missense changes on protein structure and function outputs the following: PolyPhen-2: "Benign". The proline amino acid residue is found in multiple mammalian species, which suggests that this missense change does not adversely affect protein function. In summary, the available evidence is currently insufficient to determine the role of this variant in disease. Therefore, it has been classified as a Variant of Uncertain Significance.

ARUP Laboratories, Molecular Genetics and Genomics, ARUP Laboratories
Classification: Uncertain significance for Familial cold autoinflammatory syndrome 2. Last evaluated: 2025-07-16. Review status: criteria provided, single submitter. Criteria: ARUP Molecular Germline Variant Investigation Process 2024. Collection method: clinical testing. Allele origin: germline.
Comment: The NLRP12 c.569A>C; p.Gln190Pro variant (rs1568682856), to our knowledge, is not reported in the medical literature or gene-specific databases. This variant is only observed on one allele in the Genome Aggregation Database (v2.1.1), indicating it is not a common polymorphism. Computational analyses are uncertain whether this variant is neutral or deleterious (REVEL: 0.17). Due to limited information, the clinical significance of this variant is uncertain at this time.

NM_144687.4(NLRP12):c.569A>C (p.Gln190Pro)

Gene: NLRP12 (NLR family pyrin domain containing 12; minus strand). Cytogenetic location: 19q13.42.
Variant type: single nucleotide variant.
Coding change: c.569A>C on transcript NM_144687.4 (MANE Select); coding-DNA position 569, A replaced by C.
Protein change: p.Gln190Pro; replaces glutamine 190 with proline.
Molecular consequence: missense variant.
Genome position (GRCh38, 1-based): chr19:53,811,090, T>G on the plus strand (A>C on the coding strand, the complement: NLRP12 is on the minus strand). VCF-style: chr19-53811090-T-G. GRCh37 (hg19) VCF-style: chr19-54314344-T-G.
Other names: c.569A>C, p.Gln190Pro (NM_001277126.2, NM_001277129.1); short protein forms Q190P.
Identifiers: ClinVar variation 4685960 (VCV004685960.2).